The following is an entry in ClinVar:

ClinVar aggregate classification (germline): Uncertain significance (1 of 4 stars; one submission).

Conditions:
Tuberous sclerosis 1 (TSC1). Identifiers: Orphanet 805, MedGen C1854465, MONDO:0008612, OMIM 191100.

Submission:

Labcorp Genetics (formerly Invitae), Labcorp
Classification: Uncertain significance for Tuberous sclerosis 1. Last evaluated: 2023-06-16. Review status: criteria provided, single submitter. Criteria: Invitae Variant Classification Sherloc (09022015). Collection method: clinical testing. Allele origin: germline.
Comment: Advanced modeling of protein sequence and biophysical properties (such as structural, functional, and spatial information, amino acid conservation, physicochemical variation, residue mobility, and thermodynamic stability) performed at Invitae indicates that this missense variant is not expected to disrupt TSC1 protein function. This variant has not been reported in the literature in individuals affected with TSC1-related conditions. This sequence change replaces threonine, which is neutral and polar, with proline, which is neutral and non-polar, at codon 1110 of the TSC1 protein (p.Thr1110Pro). This variant is not present in population databases (gnomAD no frequency). In summary, the available evidence is currently insufficient to determine the role of this variant in disease. Therefore, it has been classified as a Variant of Uncertain Significance.

NM_000368.5(TSC1):c.3328A>C (p.Thr1110Pro)

Gene: TSC1 (TSC complex subunit 1; minus strand). Cytogenetic location: 9q34.13.
Variant type: single nucleotide variant.
Coding change: c.3328A>C on transcript NM_000368.5 (MANE Select); coding-DNA position 3328, A replaced by C.
Protein change: p.Thr1110Pro; replaces threonine 1110 with proline.
Molecular consequence: missense variant. On other transcripts: non-coding transcript variant (5).
Genome position (GRCh38, 1-based): chr9:132,896,402, T>G on the plus strand (A>C on the coding strand, the complement: TSC1 is on the minus strand). VCF-style: chr9-132896402-T-G. GRCh37 (hg19) VCF-style: chr9-135771789-T-G.
Other names: c.3328A>C, p.Thr1110Pro (NM_001406595.1, NM_001406596.1, NM_001406592.1 and 2 more transcripts); c.3325A>C, p.Thr1109Pro (NM_001406597.1, NM_001406598.1, NM_001406599.1 and 2 more transcripts); c.3313A>C, p.Thr1105Pro (NM_001406601.1, NM_001406602.1); c.3310A>C, p.Thr1104Pro (NM_001406603.1, NM_001406604.1); c.3283A>C, p.Thr1095Pro (NM_001406608.1, NM_001406609.1); c.3175A>C, p.Thr1059Pro (NM_001406610.1, NM_001162427.2); c.3172A>C, p.Thr1058Pro (NM_001406611.1, NM_001406612.1); c.3286A>C, p.Thr1096Pro (NM_001406605.1, NM_001406606.1, NM_001406607.1); and 8 more; short protein forms T1059P, T1096P, T975P, T1104P, T759P, T792P, T1044P, T1105P.
Identifiers: ClinVar variation 2717622 (VCV002717622.3), dbSNP rs2131594043, ClinGen allele CA375366606.